The following is an entry in ClinVar:

ClinVar aggregate classification (germline): Uncertain significance (1 of 4 stars; one submission).

Conditions:
Arrhythmogenic right ventricular dysplasia 8 (ARVD8). Also called: Arrhythmogenic Right Ventricular Dysplasia/Cardiomyopathy 8; ARRHYTHMOGENIC RIGHT VENTRICULAR DYSPLASIA, FAMILIAL, 8; ARRHYTHMOGENIC RIGHT VENTRICULAR CARDIOMYOPATHY 8. Identifiers: MedGen C1843896, MONDO:0011831, OMIM 607450.
Arrhythmogenic cardiomyopathy with wooly hair and keratoderma. Also called: PALMOPLANTAR KERATODERMA WITH LEFT VENTRICULAR CARDIOMYOPATHY AND WOOLLY HAIR; Dilated cardiomyopathy with woolly hair and keratoderma; Arrhythmogenic cardiomyopathy with woolly hair and keratoderma; Carvajal syndrome. Identifiers: Orphanet 65282, MedGen C1854063, MONDO:0011581, OMIM 605676.

Submission:

Labcorp Genetics (formerly Invitae), Labcorp
Classification: Uncertain significance for Arrhythmogenic cardiomyopathy with wooly hair and keratoderma; Arrhythmogenic right ventricular dysplasia 8. Last evaluated: 2025-02-05. Review status: criteria provided, single submitter. Criteria: Invitae Variant Classification Sherloc (09022015). Collection method: clinical testing. Allele origin: germline.
Comment: This sequence change replaces glutamine, which is neutral and polar, with histidine, which is basic and polar, at codon 1954 of the DSP protein (p.Gln1954His). This variant is not present in population databases (gnomAD no frequency). This variant has not been reported in the literature in individuals affected with DSP-related conditions. An algorithm developed to predict the effect of missense changes on protein structure and function (PolyPhen-2) suggests that this variant is likely to be disruptive. In summary, the available evidence is currently insufficient to determine the role of this variant in disease. Therefore, it has been classified as a Variant of Uncertain Significance.

NM_004415.4(DSP):c.5862G>C (p.Gln1954His)

Gene: DSP (desmoplakin; plus strand). Cytogenetic location: 6p24.3.
Variant type: single nucleotide variant.
Coding change: c.5862G>C on transcript NM_004415.4 (MANE Select); coding-DNA position 5862, G replaced by C.
Protein change: p.Gln1954His; replaces glutamine 1954 with histidine.
Molecular consequence: missense variant.
Genome position (GRCh38, 1-based): chr6:7,583,124, G>C. VCF-style: chr6-7583124-G-C. GRCh37 (hg19) VCF-style: chr6-7583357-G-C.
Other names: c.4065G>C, p.Gln1355His (NM_001008844.3); c.4533G>C, p.Gln1511His (NM_001319034.2); short protein forms Q1355H, Q1511H, Q1954H.
Identifiers: ClinVar variation 4794751 (VCV004794751.1).
Genomic context (GRCh38, chr6:7,583,124, plus strand): 5'-ATATCAGAGGGAGATTGATAAACTCAGACAGCGCCCATATGGGTCCCATCGAGAGACCCA[G>C]ACTGAGTGTGAGTGGACCGTTGACACCTCCAAGCTGGTGTTTGATGGGCTGAGGAAGAAG-3'
Protein context (NP_004406.2, residues 1944-1964): QRPYGSHRET[Gln1954His]TECEWTVDTS